The following is an entry in ClinVar:

ClinVar aggregate classification (germline): Conflicting classifications of pathogenicity. Review status: criteria provided, conflicting classifications (1 of 4 stars). 3 submissions from 3 submitters: Uncertain significance (2); Likely benign (1). Last evaluated 2025-12-14.

Conditions:
Hereditary cancer-predisposing syndrome. Also called: Neoplastic Syndromes, Hereditary; Hereditary Cancer Syndrome; Tumor predisposition; Hereditary neoplastic syndrome. Identifiers: Orphanet 140162, MedGen C0027672, MeSH D009386, MONDO:0015356.
Hereditary breast ovarian cancer syndrome. Also called: Hereditary breast and ovarian cancer syndrome; Hereditary breast and ovarian cancer syndrome (HBOC); BRCA1- and BRCA2-Associated Hereditary Breast and Ovarian Cancer; Hereditary breast and ovarian cancer; Hereditary breast and/or ovarian cancer syndrome; Breast and ovarian cancer. Identifiers: Orphanet 145, MedGen C0677776, MeSH D061325, MONDO:0003582. Disease mechanism: loss of function.

Allele frequency attached by ClinVar (database versions not stated): gnomAD exomes below 0.00001.
gnomAD v4.1: 1 of 1,605,126 alleles (0.000062%); no homozygotes.

Submissions (3):

Ambry Genetics
Classification: Uncertain significance for Hereditary cancer-predisposing syndrome. Last evaluated: 2025-12-14. Review status: criteria provided, single submitter. Criteria: Ambry Variant Classification Scheme 2023. Collection method: clinical testing. Allele origin: germline.
Comment: The p.N900K variant (also known as c.2700T>G), located in coding exon 10 of the BRCA2 gene, results from a T to G substitution at nucleotide position 2700. The asparagine at codon 900 is replaced by lysine, an amino acid with similar properties. This amino acid position is conserved. In addition, this alteration is predicted to be tolerated by in silico analysis. Based on the available evidence, the clinical significance of this variant remains unclear.

University of Washington Department of Laboratory Medicine, University of Washington
Classification: Likely benign for Hereditary cancer-predisposing syndrome. Last evaluated: 2023-03-23. Review status: criteria provided, single submitter. Criteria: Dines et al. (Genet Med. 2020). Collection method: curation. Allele origin: germline.
Comment: Missense variant in a coldspot region where missense variants are very unlikely to be pathogenic (PMID:31911673).

BRCA2 exon 11 coldspot. Reclassification based on statistical prior probability.

Labcorp Genetics (formerly Invitae), Labcorp
Classification: Uncertain significance for Hereditary breast ovarian cancer syndrome. Last evaluated: 2020-08-14. Review status: criteria provided, single submitter. Criteria: Invitae Variant Classification Sherloc (09022015). Collection method: clinical testing. Allele origin: germline.
Comment: This sequence change replaces asparagine with lysine at codon 900 of the BRCA2 protein (p.Asn900Lys). The asparagine residue is weakly conserved and there is a moderate physicochemical difference between asparagine and lysine. In summary, the available evidence is currently insufficient to determine the role of this variant in disease. Therefore, it has been classified as a Variant of Uncertain Significance. Advanced modeling of protein sequence and biophysical properties (such as structural, functional, and spatial information, amino acid conservation, physicochemical variation, residue mobility, and thermodynamic stability) performed at Invitae indicates that this missense variant is not expected to disrupt BRCA2 protein function. This variant has not been reported in the literature in individuals with BRCA2-related conditions. This variant is not present in population databases (ExAC no frequency).

NM_000059.4(BRCA2):c.2700T>G (p.Asn900Lys)

Gene: BRCA2 (BRCA2 DNA repair associated; plus strand). Cytogenetic location: 13q13.1.
Variant type: single nucleotide variant.
Coding change: c.2700T>G on transcript NM_000059.4 (MANE Select); coding-DNA position 2700, T replaced by G.
Protein change: p.Asn900Lys; replaces asparagine 900 with lysine.
Molecular consequence: missense variant.
Genome position (GRCh38, 1-based): chr13:32,337,055, T>G. VCF-style: chr13-32337055-T-G. GRCh37 (hg19) VCF-style: chr13-32911192-T-G.
Other names: c.2700T>G (NM_000059.3); short protein forms N900K.
Identifiers: ClinVar variation 1039488 (VCV001039488.11), dbSNP rs1593897567, ClinGen allele CA387773496.